The following is an entry in ClinVar:

NM_000277.3(PAH):c.674C>T (p.Pro225Leu)

Gene: PAH (phenylalanine hydroxylase; minus strand). Cytogenetic location: 12q23.2.
Variant type: single nucleotide variant.
Coding change: c.674C>T on transcript NM_000277.3 (MANE Select); coding-DNA position 674, C replaced by T.
Protein change: p.Pro225Leu; replaces proline 225 with leucine.
Molecular consequence: missense variant.
Genome position (GRCh38, 1-based): chr12:102,855,168, G>A on the plus strand (C>T on the coding strand, the complement: PAH is on the minus strand). VCF-style: chr12-102855168-G-A. GRCh37 (hg19) VCF-style: chr12-103248946-G-A.
Other names: c.674C>T, p.Pro225Leu (NM_001354304.2); short protein forms P225L.
Identifiers: ClinVar variation 932277 (VCV000932277.3), dbSNP rs62517204, ClinGen allele CA6748883.

ClinVar aggregate classification (germline): Likely pathogenic. Review status: reviewed by expert panel (3 of 4 stars). 2 submissions from 2 submitters: Likely pathogenic (1). 1 of the submissions does not count toward it. Last evaluated 2020-03-08.

Conditions:
Phenylketonuria (PKU). Also called: OLIGOPHRENIA PHENYLPYRUVICA; Phenylketonurias; Phenylketonuria (PKU); FOLLING DISEASE. Identifiers: Orphanet 716, MedGen C0031485, MONDO:0009861, OMIM 261600. Disease mechanism: loss of function.

Allele frequency attached by ClinVar (database versions not stated): gnomAD exomes below 0.00001; ExAC 0.00001.
gnomAD v4.1: 2 of 1,614,128 alleles (0.00012%); highest among the groups gnomAD compares: South Asian, 0.0011%; no homozygotes.

Submissions (2):

ClinGen PAH Variant Curation Expert Panel
Classification: Likely pathogenic for Phenylketonuria. Last evaluated: 2020-03-08. Review status: reviewed by expert panel. Criteria: ClinGen PAH ACMG Specifications v1. Collection method: curation. Allele origin: germline. Inheritance: Autosomal recessive inheritance.
Comment: The c.674C>T (p.Pro225Leu) variant in PAH has been reported in 2 individuals with PKU (BH4 deficiency excluded (PMID: 21307867). This variant has extremely low frequency in gnomAD MAF=0.000008800. Computational evidence support a deleterious effect. The p.Pro225Thr variant is interpreted as pathogenic. In summary, this variant meets criteria to be classified as likely pathogenic for PAH. PAH-specific ACMG/AMP criteria applied: PP4_Moderate, PM2, PM5, PP3.

Labcorp Genetics (formerly Invitae), Labcorp
Classification: Pathogenic for Phenylketonuria. Last evaluated: 2024-09-27. Review status: criteria provided, single submitter. Criteria: Invitae Variant Classification Sherloc (09022015). Collection method: clinical testing. Allele origin: germline. Not counted in ClinVar's aggregate classification.
Comment: This sequence change replaces proline, which is neutral and non-polar, with leucine, which is neutral and non-polar, at codon 225 of the PAH protein (p.Pro225Leu). This variant is present in population databases (rs62517204, gnomAD 0.0009%). This missense change has been observed in individual(s) with phenylketonuria (PMID: 21307867, 32668217; internal data). In at least one individual the data is consistent with being in trans (on the opposite chromosome) from a pathogenic variant. ClinVar contains an entry for this variant (Variation ID: 932277). Invitae Evidence Modeling of protein sequence and biophysical properties (such as structural, functional, and spatial information, amino acid conservation, physicochemical variation, residue mobility, and thermodynamic stability) indicates that this missense variant is expected to disrupt PAH protein function with a positive predictive value of 80%. This variant disrupts the p.Pro225 amino acid residue in PAH. Other variant(s) that disrupt this residue have been determined to be pathogenic (PMID: 18299955, 22330942, 23430547). This suggests that this residue is clinically significant, and that variants that disrupt this residue are likely to be disease-causing. For these reasons, this variant has been classified as Pathogenic.

Literature cited by the submitters: PubMed 31332730 (cited by ClinGen PAH Variant Curation Expert Panel); PubMed 21307867 (cited by ClinGen PAH Variant Curation Expert Panel and Labcorp Genetics (formerly Invitae), Labcorp); PubMed 32668217 (cited by Labcorp Genetics (formerly Invitae), Labcorp); PubMed 18299955 (cited by Labcorp Genetics (formerly Invitae), Labcorp); PubMed 22330942 (cited by Labcorp Genetics (formerly Invitae), Labcorp); PubMed 23430547 (cited by Labcorp Genetics (formerly Invitae), Labcorp).